The following is an entry in ClinVar:

ClinVar aggregate classification (germline): Uncertain significance (1 of 4 stars; one submission).

Submission:

GeneDx
Classification: Uncertain significance. Last evaluated: 2022-12-13. Review status: criteria provided, single submitter. Criteria: GeneDx Variant Classification Process June 2021. Collection method: clinical testing. Allele origin: germline. Affected: yes.
Comment: Not observed at significant frequency in large population cohorts (gnomAD); In silico analysis supports that this missense variant does not alter protein structure/function; Has not been previously published as pathogenic or benign to our knowledge

NM_181552.4(CUX1):c.4168G>T (p.Asp1390Tyr)

Gene: CUX1 (cut like homeobox 1; plus strand). Cytogenetic location: 7q22.1.
Variant type: single nucleotide variant.
Coding change: c.4168G>T on transcript NM_181552.4 (MANE Select); coding-DNA position 4168, G replaced by T.
Protein change: p.Asp1390Tyr; replaces aspartic acid 1390 with tyrosine.
Molecular consequence: missense variant. On other transcripts: intron variant (5).
Genome position (GRCh38, 1-based): chr7:102,248,692, G>T. VCF-style: chr7-102248692-G-T. GRCh37 (hg19) VCF-style: chr7-101891972-G-T.
Other names: c.4201G>T, p.Asp1401Tyr (NM_001202543.2); c.1256-24674G>T (NM_001913.5); c.1250-24674G>T (NM_181500.4); c.1118-24674G>T (NM_001202545.3); c.1208-24674G>T (NM_001202544.3); c.1139-24674G>T (NM_001202546.3); short protein forms D1390Y, D1401Y.
Identifiers: ClinVar variation 2505923 (VCV002505923.1), dbSNP rs2486378621, ClinGen allele CA368669133.
Genomic context (GRCh38, chr7:102,248,692, plus strand): 5'-GCGGAGCAGACGGAGCCGCCGCCCTCGGGGACCCCGGGCCCGGACGACGCCCGCGACGAC[G>T]ACCACGAGGGAGGCCCCGTGGAAGGCCCGGGGCCCCTGCCCAGCCCCGCCTCCGCGACCG-3'
Protein context (NP_853530.2, residues 1380-1400): TPGPDDARDD[Asp1390Tyr]HEGGPVEGPG